The following is an entry in ClinVar:

ClinVar aggregate classification (germline): not provided (0 of 4 stars; one submission).

Allele frequency attached by ClinVar (database versions not stated): gnomAD exomes 0.00298; ExAC 0.00385; gnomAD 0.01257 and 0.01346; TOPMed 0.01319; ESP Exome Variant Server 0.01428; 1000 Genomes Project 0.01558; 1000 Genomes Project 30x 0.01624.

Submission:

ITMI
No classification provided. Condition: AllHighlyPenetrant. Last evaluated: 2013-09-19. Review status: no classification provided. Collection method: reference population. Allele origin: germline.
Comment: Please see associated publication for description of ethnicities

Literature cited by the submitters: PubMed 24728327.

NM_001077706.3(ECT2L):c.649G>A (p.Val217Met)

Gene: ECT2L (epithelial cell transforming 2 like; plus strand). Cytogenetic location: 6q24.1.
Variant type: single nucleotide variant.
Coding change: c.649G>A on transcript NM_001077706.3 (MANE Select); coding-DNA position 649, G replaced by A.
Protein change: p.Val217Met; replaces valine 217 with methionine.
Molecular consequence: missense variant.
Genome position (GRCh38, 1-based): chr6:138,844,465, G>A. VCF-style: chr6-138844465-G-A. GRCh37 (hg19) VCF-style: chr6-139165602-G-A.
Other names: c.649G>A, p.Val217Met (NM_001195037.2); short protein forms V217M.
Identifiers: ClinVar variation 134011 (VCV000134011.1), dbSNP rs75478555, ClinGen allele CA158411.
Genomic context (GRCh38, chr6:138,844,465, plus strand): 5'-TTTTCAGAGGAGTTATTCAAAGTTCGACCCCCTTGGGTGAGTGGAACTTGCTGCTCTAGC[G>A]TGCTAAAGCCCAGATGCCAACCACGCCTCTCCCAGACTGTAAGGGAGCGAGTGGGATTAC-3'
Protein context (NP_001071174.1, residues 207-227): PWVSGTCCSS[Val217Met]LKPRCQPRLS